The following is an entry in ClinVar:

NM_001103.4(ACTN2):c.1559A>G (p.Glu520Gly)

Gene: ACTN2 (actinin alpha 2; plus strand). Cytogenetic location: 1q43.
Variant type: single nucleotide variant.
Coding change: c.1559A>G on transcript NM_001103.4 (MANE Select); coding-DNA position 1559, A replaced by G.
Protein change: p.Glu520Gly; replaces glutamic acid 520 with glycine.
Molecular consequence: missense variant. On other transcripts: non-coding transcript variant (1).
Genome position (GRCh38, 1-based): chr1:236,749,167, A>G. VCF-style: chr1-236749167-A-G. GRCh37 (hg19) VCF-style: chr1-236912467-A-G.
Other names: c.1559A>G, p.Glu520Gly (NM_001278343.2); short protein forms E520G.
Identifiers: ClinVar variation 4795054 (VCV004795054.1).

ClinVar aggregate classification (germline): Uncertain significance (1 of 4 stars; one submission).

Conditions:
Dilated cardiomyopathy 1AA (CMD1AA). Also called: CARDIOMYOPATHY, DILATED, 1AA, WITH OR WITHOUT LEFT VENTRICULAR NONCOMPACTION; CARDIOMYOPATHY, FAMILIAL HYPERTROPHIC, 23, WITH OR WITHOUT LEFT VENTRICULAR NONCOMPACTION; Cardiomyopathy, dilated, 1AA, with or without LVNC. Identifiers: Orphanet 154, MedGen C2677338, MONDO:0012808, OMIM 612158.
Primary familial hypertrophic cardiomyopathy (HCM). Identifiers: Orphanet 99739, MedGen C0949658, MeSH D024741, MONDO:0024573. Inheritance: Various modes of inheritance.

Submission:

Labcorp Genetics (formerly Invitae), Labcorp
Classification: Uncertain significance for Primary familial hypertrophic cardiomyopathy; Dilated cardiomyopathy 1AA. Last evaluated: 2025-07-13. Review status: criteria provided, single submitter. Criteria: Invitae Variant Classification Sherloc (09022015). Collection method: clinical testing. Allele origin: germline.
Comment: This sequence change replaces glutamic acid, which is acidic and polar, with glycine, which is neutral and non-polar, at codon 520 of the ACTN2 protein (p.Glu520Gly). This variant is not present in population databases (gnomAD no frequency). This variant has not been reported in the literature in individuals affected with ACTN2-related conditions. Invitae Evidence Modeling of protein sequence and biophysical properties (such as structural, functional, and spatial information, amino acid conservation, physicochemical variation, residue mobility, and thermodynamic stability) indicates that this missense variant is expected to disrupt ACTN2 protein function with a positive predictive value of 80%. In summary, the available evidence is currently insufficient to determine the role of this variant in disease. Therefore, it has been classified as a Variant of Uncertain Significance.